The following is an entry in ClinVar:

ClinVar aggregate classification (germline): Uncertain significance (1 of 4 stars; one submission).

Submission:

Labcorp Genetics (formerly Invitae), Labcorp
Classification: Uncertain significance. Last evaluated: 2021-10-24. Review status: criteria provided, single submitter. Criteria: Invitae Variant Classification Sherloc (09022015). Collection method: clinical testing. Allele origin: germline.
Comment: Algorithms developed to predict the effect of missense changes on protein structure and function (SIFT, PolyPhen-2, Align-GVGD) all suggest that this variant is likely to be tolerated. In summary, the available evidence is currently insufficient to determine the role of this variant in disease. Therefore, it has been classified as a Variant of Uncertain Significance. This variant has not been reported in the literature in individuals affected with PEX3-related conditions. This sequence change replaces methionine, which is neutral and non-polar, with isoleucine, which is neutral and non-polar, at codon 124 of the PEX3 protein (p.Met124Ile). This variant is not present in population databases (gnomAD no frequency).

NM_003630.3(PEX3):c.372G>T (p.Met124Ile)

Gene: PEX3 (peroxisomal biogenesis factor 3; plus strand). Cytogenetic location: 6q24.2.
Variant type: single nucleotide variant.
Coding change: c.372G>T on transcript NM_003630.3 (MANE Select); coding-DNA position 372, G replaced by T.
Protein change: p.Met124Ile; replaces methionine 124 with isoleucine.
Molecular consequence: missense variant.
Genome position (GRCh38, 1-based): chr6:143,471,001, G>T. VCF-style: chr6-143471001-G-T. GRCh37 (hg19) VCF-style: chr6-143792138-G-T.
Other names: short protein forms M124I.
Identifiers: ClinVar variation 1389130 (VCV001389130.6), dbSNP rs2128746668, ClinGen allele CA365909725.